The following is an entry in ClinVar:

ClinVar aggregate classification (germline): Likely pathogenic. Review status: criteria provided, multiple submitters, no conflicts (2 of 4 stars). 2 submissions from 2 submitters: Likely pathogenic (2). Last evaluated 2021-11-23.

Conditions:
Charcot-Marie-Tooth disease dominant intermediate B (CMTDIB). Also called: Charcot-Marie-Tooth disease dominant intermediate 1; CMT DI1; Charcot-Marie-Tooth disease dominant intermediate I; CHARCOT-MARIE-TOOTH NEUROPATHY, DOMINANT INTERMEDIATE B. Identifiers: Orphanet 100044, Orphanet 228179, MedGen C1847902, MONDO:0011674, OMIM 606482.

Submissions (2):

MGZ Medical Genetics Center
Classification: Likely pathogenic for Charcot-Marie-Tooth disease dominant intermediate B. Last evaluated: 2021-11-23. Review status: criteria provided, single submitter. Criteria: ACMG Guidelines, 2015. Collection method: clinical testing. Allele origin: germline. Affected: yes. Observed: 1 variant allele.
Comment: ACMG criteria applied: PS2, PM2_SUP, PP2, PP3

Labcorp Genetics (formerly Invitae), Labcorp
Classification: Likely pathogenic for Charcot-Marie-Tooth disease dominant intermediate B. Last evaluated: 2018-10-12. Review status: criteria provided, single submitter. Criteria: Invitae Variant Classification Sherloc (09022015). Collection method: clinical testing. Allele origin: germline.
Comment: This variant is not present in population databases (ExAC no frequency). This sequence change replaces threonine with arginine at codon 488 of the DNM2 protein (p.Thr488Arg). The threonine residue is highly conserved and there is a moderate physicochemical difference between threonine and arginine. Algorithms developed to predict the effect of missense changes on protein structure and function (SIFT, PolyPhen-2, Align-GVGD) all suggest that this variant is likely to be disruptive, but these predictions have not been confirmed by published functional studies and their clinical significance is uncertain. Algorithms developed to predict the effect of sequence changes on RNA splicing suggest that this variant may create or strengthen a splice site, but this prediction has not been confirmed by published transcriptional studies. In summary, the currently available evidence indicates that the variant is pathogenic, but additional data are needed to prove that conclusively. Therefore, this variant has been classified as Likely Pathogenic.

NM_001005361.3(DNM2):c.1463C>G (p.Thr488Arg)

Gene: DNM2 (dynamin 2; plus strand). Cytogenetic location: 19p13.2.
Variant type: single nucleotide variant.
Coding change: c.1463C>G on transcript NM_001005361.3 (MANE Select); coding-DNA position 1463, C replaced by G.
Protein change: p.Thr488Arg; replaces threonine 488 with arginine.
Molecular consequence: missense variant.
Genome position (GRCh38, 1-based): chr19:10,802,328, C>G. VCF-style: chr19-10802328-C-G. GRCh37 (hg19) VCF-style: chr19-10913004-C-G.
Other names: c.1463C>G, p.Thr488Arg (NM_001005360.3, NM_001005362.3, NM_001190716.2 and 1 more transcripts); short protein forms T488R.
Identifiers: ClinVar variation 580216 (VCV000580216.11), dbSNP rs746903992, ClinGen allele CA404049789.